The following is an entry in ClinVar:

ClinVar aggregate classification (germline): Uncertain significance. Review status: criteria provided, multiple submitters, no conflicts (2 of 4 stars). 2 submissions from 2 submitters: Uncertain significance (2). Last evaluated 2025-11-11.

Conditions:
Inborn genetic diseases. Identifiers: MedGen C0950123, MeSH D030342.

Allele frequency attached by ClinVar (database versions not stated): ESP Exome Variant Server 0.00023.
gnomAD v4.1: 35 of 1,608,550 alleles (0.0022%); highest among the groups gnomAD compares: African/African-American, 0.004%; no homozygotes.

Submissions (2):

Ambry Genetics
Classification: Uncertain significance for Inborn genetic diseases. Last evaluated: 2025-11-11. Review status: criteria provided, single submitter. Criteria: Ambry Variant Classification Scheme 2023. Collection method: clinical testing. Allele origin: germline.

Labcorp Genetics (formerly Invitae), Labcorp
Classification: Uncertain significance. Last evaluated: 2021-12-11. Review status: criteria provided, single submitter. Criteria: Invitae Variant Classification Sherloc (09022015). Collection method: clinical testing. Allele origin: germline.
Comment: This sequence change replaces alanine, which is neutral and non-polar, with proline, which is neutral and non-polar, at codon 425 of the LCA5 protein (p.Ala425Pro). This variant is present in population databases (rs150095877, gnomAD 0.007%). This variant has not been reported in the literature in individuals affected with LCA5-related conditions. Algorithms developed to predict the effect of missense changes on protein structure and function (SIFT, PolyPhen-2, Align-GVGD) all suggest that this variant is likely to be tolerated. In summary, the available evidence is currently insufficient to determine the role of this variant in disease. Therefore, it has been classified as a Variant of Uncertain Significance.

NM_001122769.3(LCA5):c.1273G>C (p.Ala425Pro)

Gene: LCA5 (lebercilin LCA5; minus strand). Cytogenetic location: 6q14.1.
Variant type: single nucleotide variant.
Coding change: c.1273G>C on transcript NM_001122769.3 (MANE Select); coding-DNA position 1273, G replaced by C.
Protein change: p.Ala425Pro; replaces alanine 425 with proline.
Molecular consequence: missense variant.
Genome position (GRCh38, 1-based): chr6:79,487,825, C>G on the plus strand (G>C on the coding strand, the complement: LCA5 is on the minus strand). VCF-style: chr6-79487825-C-G. GRCh37 (hg19) VCF-style: chr6-80197542-C-G.
Other names: c.1273G>C (NM_181714.3); c.1273G>C, p.Ala425Pro (NM_181714.4); short protein forms A425P.
Identifiers: ClinVar variation 1418760 (VCV001418760.4), dbSNP rs150095877, ClinGen allele CA3900852.
Genomic context (GRCh38, chr6:79,487,825, plus strand): 5'-TTCCTAGTTGGTACCTTCCAGTTTCCCACTCTGGCTTTTCTTCTCTTTCCAGTAAAGATG[C>G]CTTTTCTTTTTGCTTTTTATCAAGTTCTTCTCTTTCCCATTCTGTATGAAATCAAATTTT-3'
Protein context (NP_001116241.1, residues 415-435): EELDKKQKEK[Ala425Pro]SLLEREEKPE